The following is an entry in ClinVar:

NM_001101362.3(KBTBD13):c.454C>T (p.Leu152=)

Gene: KBTBD13 (kelch repeat and BTB domain containing 13; plus strand). Cytogenetic location: 15q22.31.
Variant type: single nucleotide variant.
Coding change: c.454C>T on transcript NM_001101362.3 (MANE Select); coding-DNA position 454, C replaced by T.
Protein change: p.Leu152=; no amino-acid change (leucine 152 retained).
Molecular consequence: synonymous variant.
Genome position (GRCh38, 1-based): chr15:65,077,269, C>T. VCF-style: chr15-65077269-C-T. GRCh37 (hg19) VCF-style: chr15-65369607-C-T.
Identifiers: ClinVar variation 3694791 (VCV003694791.2).

ClinVar aggregate classification (germline): Uncertain significance (1 of 4 stars; one submission).

Conditions:
Nemaline myopathy 6 (NEM6). Also called: Nemaline myopathy 6, autosomal dominant. Identifiers: Orphanet 171439, MedGen C1836472, MONDO:0012237, OMIM 609273.

Submission:

Labcorp Genetics (formerly Invitae), Labcorp
Classification: Uncertain significance for Nemaline myopathy 6. Last evaluated: 2024-12-11. Review status: criteria provided, single submitter. Criteria: Invitae Variant Classification Sherloc (09022015). Collection method: clinical testing. Allele origin: germline.
Comment: This sequence change affects codon 152 of the KBTBD13 mRNA. It is a 'silent' change, meaning that it does not change the encoded amino acid sequence of the KBTBD13 protein. This variant is not present in population databases (gnomAD no frequency). This variant has not been reported in the literature in individuals affected with KBTBD13-related conditions. In summary, the available evidence is currently insufficient to determine the role of this variant in disease. Therefore, it has been classified as a Variant of Uncertain Significance.